The following is an entry in ClinVar:

NM_001370466.1(NOD2):c.1769T>A (p.Leu590His)

Gene: NOD2 (nucleotide binding oligomerization domain containing 2; plus strand). Cytogenetic location: 16q12.1.
Variant type: single nucleotide variant.
Coding change: c.1769T>A on transcript NM_001370466.1 (MANE Select); coding-DNA position 1769, T replaced by A.
Protein change: p.Leu590His; replaces leucine 590 with histidine.
Molecular consequence: missense variant. On other transcripts: non-coding transcript variant (1).
Genome position (GRCh38, 1-based): chr16:50,711,761, T>A. VCF-style: chr16-50711761-T-A. GRCh37 (hg19) VCF-style: chr16-50745672-T-A.
Other names: c.1769T>A, p.Leu590His (NM_001293557.2); c.1850T>A, p.Leu617His (NM_022162.3); short protein forms L590H, L617H.
Identifiers: ClinVar variation 3748667 (VCV003748667.2).

ClinVar aggregate classification (germline): Uncertain significance (1 of 4 stars; one submission).

Conditions:
Blau syndrome (BLAUS). Also called: GRANULOMATOSIS, FAMILIAL JUVENILE SYSTEMIC; GRANULOMATOSIS, FAMILIAL, BLAU TYPE; GRANULOMATOUS INFLAMMATORY ARTHRITIS, DERMATITIS, AND UVEITIS, FAMILIAL; JABS SYNDROME; ARTHROCUTANEOUVEAL GRANULOMATOSIS. Identifiers: Orphanet 90340, MedGen C5201146, MONDO:0008523, OMIM 186580.
Regional enteritis. Also called: Enteritis, Granulomatous. Identifiers: MedGen C0678202, MeSH D003424.

gnomAD v4.1: 1 of 1,614,226 alleles (0.000062%); highest among the groups gnomAD compares: Non-Finnish European, 0.000085%; no homozygotes.

Submission:

Labcorp Genetics (formerly Invitae), Labcorp
Classification: Uncertain significance for Regional enteritis; Blau syndrome. Last evaluated: 2024-11-19. Review status: criteria provided, single submitter. Criteria: Invitae Variant Classification Sherloc (09022015). Collection method: clinical testing. Allele origin: germline.
Comment: This sequence change replaces leucine, which is neutral and non-polar, with histidine, which is basic and polar, at codon 617 of the NOD2 protein (p.Leu617His). This variant is present in population databases (rs772781164, gnomAD 0.007%). This variant has not been reported in the literature in individuals affected with NOD2-related conditions. Invitae Evidence Modeling of protein sequence and biophysical properties (such as structural, functional, and spatial information, amino acid conservation, physicochemical variation, residue mobility, and thermodynamic stability) has been performed for this missense variant. However, the output from this modeling did not meet the statistical confidence thresholds required to predict the impact of this variant on NOD2 protein function. In summary, the available evidence is currently insufficient to determine the role of this variant in disease. Therefore, it has been classified as a Variant of Uncertain Significance.